The following is an entry in ClinVar:

ClinVar aggregate classification (germline): Likely benign. Review status: criteria provided, single submitter (1 of 4 stars). 2 submissions from 2 submitters: Likely benign (1). 1 of the submissions does not count toward it. Last evaluated 2025-03-01.

Conditions:
OGDHL-related disorder. Also called: OGDHL-related condition.

Allele frequency attached by ClinVar (database versions not stated): gnomAD exomes 0.00089; ExAC 0.00174; gnomAD 0.00472; ESP Exome Variant Server 0.00538; TOPMed 0.00538; 1000 Genomes Project 0.00639; 1000 Genomes Project 30x 0.00687.
gnomAD v4.1: 2,074 of 1,612,092 alleles (0.13%); highest among the groups gnomAD compares: African/African-American, 1.4%; 13 homozygotes.

Submissions (2):

CeGaT Center for Human Genetics Tuebingen
Classification: Likely benign. Last evaluated: 2025-03-01. Review status: criteria provided, single submitter. Criteria: CeGaT Center For Human Genetics Tuebingen Variant Classification Criteria Version 2. Collection method: clinical testing. Allele origin: germline. Affected: yes. Observed: 1 variant allele.
Comment: OGDHL: BP4, BS1

PreventionGenetics, part of Exact Sciences
Classification: Benign for OGDHL-related condition. Last evaluated: 2019-03-04. Review status: no assertion criteria provided. Collection method: clinical testing. Allele origin: germline. Not counted in ClinVar's aggregate classification.
Comment: This variant is classified as benign based on ACMG/AMP sequence variant interpretation guidelines (Richards et al. 2015 PMID: 25741868, with internal and published modifications).

NM_018245.3(OGDHL):c.2818G>A (p.Ala940Thr)

Gene: OGDHL (oxoglutarate dehydrogenase L; minus strand). Cytogenetic location: 10q11.23.
Variant type: single nucleotide variant.
Coding change: c.2818G>A on transcript NM_018245.3 (MANE Select); coding-DNA position 2818, G replaced by A.
Protein change: p.Ala940Thr; replaces alanine 940 with threonine.
Molecular consequence: missense variant. On other transcripts: non-coding transcript variant (5).
Genome position (GRCh38, 1-based): chr10:49,736,114, C>T on the plus strand (G>A on the coding strand, the complement: OGDHL is on the minus strand). VCF-style: chr10-49736114-C-T. GRCh37 (hg19) VCF-style: chr10-50944160-C-T.
Other names: c.2647G>A, p.Ala883Thr (NM_001143996.2, NM_001347820.1); c.2191G>A, p.Ala731Thr (NM_001143997.2, NM_001347821.2, NM_001347822.1); c.2818G>A, p.Ala940Thr (NM_001347819.1); c.2638G>A, p.Ala880Thr (NM_001347823.1, NM_001347824.2); c.2011G>A, p.Ala671Thr (NM_001347825.2); c.1621G>A, p.Ala541Thr (NM_001347826.1); short protein forms A541T, A671T, A731T, A880T, A883T, A940T.
Identifiers: ClinVar variation 3043968 (VCV003043968.9), dbSNP rs75372646, ClinGen allele CA5498007.
Genomic context (GRCh38, chr10:49,736,114, plus strand): 5'-TGAAGCGTGGGCTGATGTAGTCATAGTAGCCCATGTTCTTGTGCTCCTCCTGACACCAGG[C>T]CAGCTCCGCACCTGGGTACTTCTCTGCCTCCTGCTTGATCAGGTCGAAGGGGAATGGAGA-3'
Protein context (NP_060715.2, residues 930-950): EAEKYPGAEL[Ala940Thr]WCQEEHKNMG